The following is an entry in ClinVar:

NM_014845.6(FIG4):c.1870C>T (p.Leu624Phe)

Gene: FIG4 (FIG4 phosphoinositide 5-phosphatase; plus strand). Cytogenetic location: 6q21.
Variant type: single nucleotide variant.
Coding change: c.1870C>T on transcript NM_014845.6 (MANE Select); coding-DNA position 1870, C replaced by T.
Protein change: p.Leu624Phe; replaces leucine 624 with phenylalanine.
Molecular consequence: missense variant.
Genome position (GRCh38, 1-based): chr6:109,777,041, C>T. VCF-style: chr6-109777041-C-T. GRCh37 (hg19) VCF-style: chr6-110098244-C-T.
Other names: short protein forms L624F.
Identifiers: ClinVar variation 965982 (VCV000965982.9), dbSNP rs1777642023, ClinGen allele CA365230323.

ClinVar aggregate classification (germline): Uncertain significance (1 of 4 stars; one submission).

Conditions:
Charcot-Marie-Tooth disease type 4. Also called: Charcot-Marie-Tooth, Type 4; Charcot-Marie-Tooth disease, type IV. Identifiers: Orphanet 64749, MedGen C4082197, MONDO:0018995.

Submission:

Labcorp Genetics (formerly Invitae), Labcorp
Classification: Uncertain significance for Charcot-Marie-Tooth disease type 4. Last evaluated: 2020-02-07. Review status: criteria provided, single submitter. Criteria: Invitae Variant Classification Sherloc (09022015). Collection method: clinical testing. Allele origin: germline.
Comment: In summary, the available evidence is currently insufficient to determine the role of this variant in disease. Therefore, it has been classified as a Variant of Uncertain Significance. Algorithms developed to predict the effect of missense changes on protein structure and function (SIFT, PolyPhen-2, Align-GVGD) all suggest that this variant is likely to be tolerated, but these predictions have not been confirmed by published functional studies and their clinical significance is uncertain. This variant has not been reported in the literature in individuals with FIG4-related conditions. This variant is not present in population databases (ExAC no frequency). This sequence change replaces leucine with phenylalanine at codon 624 of the FIG4 protein (p.Leu624Phe). The leucine residue is highly conserved and there is a small physicochemical difference between leucine and phenylalanine.